The following is an entry in ClinVar:

NM_000789.4(ACE):c.1021G>A (p.Glu341Lys)

Gene: ACE (angiotensin I converting enzyme; plus strand). Cytogenetic location: 17q23.3.
Variant type: single nucleotide variant.
Coding change: c.1021G>A on transcript NM_000789.4 (MANE Select); coding-DNA position 1021, G replaced by A.
Protein change: p.Glu341Lys; replaces glutamic acid 341 with lysine.
Molecular consequence: missense variant. On other transcripts: intron variant (1).
Genome position (GRCh38, 1-based): chr17:63,481,641, G>A. VCF-style: chr17-63481641-G-A. GRCh37 (hg19) VCF-style: chr17-61559002-G-A.
Other names: c.169G>A, p.Glu57Lys (NM_001382701.1); c.472+453G>A (NM_001382700.1); short protein forms E341K, E57K.
Identifiers: ClinVar variation 2740183 (VCV002740183.4), dbSNP rs201456235, ClinGen allele CA8699360.

ClinVar aggregate classification (germline): Uncertain significance. Review status: criteria provided, multiple submitters, no conflicts (2 of 4 stars). 2 submissions from 2 submitters: Uncertain significance (2). Last evaluated 2024-04-18.

Conditions:
Hemorrhage, intracerebral, susceptibility to (ICH). Also called: Stroke, hemorrhagic, susceptibility to. Identifiers: MedGen C3281105, MONDO:0100533, OMIM 614519.
Renal tubular dysgenesis of genetic origin. Also called: PRIMITIVE RENAL TUBULE SYNDROME. Identifiers: Orphanet 97369, MedGen C5681536, MONDO:0009970, OMIM 267430.
Microvascular complications of diabetes, susceptibility to, 3. Identifiers: MedGen C2675470, MONDO:0012963, OMIM 612624.

Allele frequency attached by ClinVar (database versions not stated): gnomAD exomes 0.00001; ExAC 0.00003; ESP Exome Variant Server 0.00008; 1000 Genomes Project 30x 0.00016.
gnomAD v4.1: 24 of 1,614,122 alleles (0.0015%); highest among the groups gnomAD compares: South Asian, 0.0055%; no homozygotes.

Submissions (2):

Fulgent Genetics
Classification: Uncertain significance for Renal tubular dysgenesis of genetic origin; Microvascular complications of diabetes, susceptibility to, 3; Hemorrhage, intracerebral, susceptibility to. Last evaluated: 2024-04-18. Review status: criteria provided, single submitter. Criteria: ACMG Guidelines, 2015. Collection method: clinical testing. Allele origin: germline.

Labcorp Genetics (formerly Invitae), Labcorp
Classification: Uncertain significance. Last evaluated: 2023-07-17. Review status: criteria provided, single submitter. Criteria: Invitae Variant Classification Sherloc (09022015). Collection method: clinical testing. Allele origin: germline.
Comment: This variant has not been reported in the literature in individuals affected with ACE-related conditions. This variant is present in population databases (rs201456235, gnomAD 0.006%). This sequence change replaces glutamic acid, which is acidic and polar, with lysine, which is basic and polar, at codon 341 of the ACE protein (p.Glu341Lys). Advanced modeling of protein sequence and biophysical properties (such as structural, functional, and spatial information, amino acid conservation, physicochemical variation, residue mobility, and thermodynamic stability) performed at Invitae indicates that this missense variant is not expected to disrupt ACE protein function. In summary, the available evidence is currently insufficient to determine the role of this variant in disease. Therefore, it has been classified as a Variant of Uncertain Significance.